The following is an entry in ClinVar:

ClinVar aggregate classification (germline): Uncertain significance. Review status: criteria provided, multiple submitters, no conflicts (2 of 4 stars). 2 submissions from 2 submitters: Uncertain significance (2). Last evaluated 2025-08-16.

Conditions:
Hypertrophic cardiomyopathy. Also called: HYPERTROPHIC MYOCARDIOPATHY. Identifiers: Orphanet 217569, MedGen C0007194, MeSH D002312, MONDO:0005045, HP:0001639.

Allele frequency attached by ClinVar (database versions not stated): TOPMed below 0.00001; gnomAD 0.00001.
gnomAD v4.1: 27 of 1,613,668 alleles (0.0017%); highest among the groups gnomAD compares: South Asian, 0.0044%; no homozygotes.

Submissions (2):

Labcorp Genetics (formerly Invitae), Labcorp
Classification: Uncertain significance for Hypertrophic cardiomyopathy. Last evaluated: 2025-08-16. Review status: criteria provided, single submitter. Criteria: Invitae Variant Classification Sherloc (09022015). Collection method: clinical testing. Allele origin: germline.
Comment: This sequence change replaces arginine, which is basic and polar, with histidine, which is basic and polar, at codon 1231 of the MYOM1 protein (p.Arg1231His). This variant is present in population databases (rs756213299, gnomAD 0.006%). This variant has not been reported in the literature in individuals affected with MYOM1-related conditions. ClinVar contains an entry for this variant (Variation ID: 1733977). Invitae Evidence Modeling of protein sequence and biophysical properties (such as structural, functional, and spatial information, amino acid conservation, physicochemical variation, residue mobility, and thermodynamic stability) indicates that this missense variant is not expected to disrupt MYOM1 protein function with a negative predictive value of 80%. In summary, the available evidence is currently insufficient to determine the role of this variant in disease. Therefore, it has been classified as a Variant of Uncertain Significance.

Ambry Genetics
Classification: Uncertain significance. Last evaluated: 2024-12-17. Review status: criteria provided, single submitter. Criteria: Ambry Variant Classification Scheme 2023. Collection method: clinical testing. Allele origin: germline.
Comment: The p.R1231H variant (also known as c.3692G>A), located in coding exon 24 of the MYOM1 gene, results from a G to A substitution at nucleotide position 3692. The arginine at codon 1231 is replaced by histidine, an amino acid with highly similar properties. This amino acid position is conserved. In addition, the in silico prediction for this alteration is inconclusive. Since supporting evidence is limited at this time, the clinical significance of this alteration remains unclear.

NM_003803.4(MYOM1):c.3692G>A (p.Arg1231His)

Gene: MYOM1 (myomesin 1; minus strand). Cytogenetic location: 18p11.31.
Variant type: single nucleotide variant.
Coding change: c.3692G>A on transcript NM_003803.4 (MANE Select); coding-DNA position 3692, G replaced by A.
Protein change: p.Arg1231His; replaces arginine 1231 with histidine.
Molecular consequence: missense variant.
Genome position (GRCh38, 1-based): chr18:3,100,194, C>T on the plus strand (G>A on the coding strand, the complement: MYOM1 is on the minus strand). VCF-style: chr18-3100194-C-T. GRCh37 (hg19) VCF-style: chr18-3100192-C-T.
Other names: c.3404G>A, p.Arg1135His (NM_019856.2); short protein forms R1135H, R1231H.
Identifiers: ClinVar variation 1733977 (VCV001733977.4), dbSNP rs756213299, ClinGen allele CA8874195.
Genomic context (GRCh38, chr18:3,100,194, plus strand): 5'-CTGTGAATGTATTGTGGATACTTACTTGGGAACTTGTGTTCATGGCTGAGAGCAAGTAAA[C>T]GTTTCAATTCTGTAGGGGGAAAAAGAAGGCAGTTAAACCTTAAACTACTAAAATAAAAGT-3'
Protein context (NP_003794.3, residues 1221-1241): SYLIDEEELK[Arg1231His]LLALSHEHKF